The following is an entry in ClinVar:

ClinVar aggregate classification (germline): Uncertain significance (1 of 4 stars; one submission).

Conditions:
MRPS7-related disorder. Also called: MRPS7-related condition.

Submission:

PreventionGenetics, part of Exact Sciences
Classification: Uncertain significance for MRPS7-related condition. Last evaluated: 2024-11-24. Review status: criteria provided, single submitter. Criteria: ACMG Guidelines, 2015. Collection method: clinical testing. Allele origin: germline.
Comment: The MRPS7 c.566C>G variant is predicted to result in the amino acid substitution p.Thr189Ser. To our knowledge, this variant has not been reported in the literature. This variant is reported in 0.00088% of alleles in individuals of European (Non-Finnish) descent in gnomAD. At this time, the clinical significance of this variant is uncertain due to the absence of conclusive functional and genetic evidence.

NM_015971.4(MRPS7):c.566C>G (p.Thr189Ser)

Gene: MRPS7 (mitochondrial ribosomal protein S7; plus strand). Cytogenetic location: 17q25.1.
Variant type: single nucleotide variant.
Coding change: c.566C>G on transcript NM_015971.4 (MANE Select); coding-DNA position 566, C replaced by G.
Protein change: p.Thr189Ser; replaces threonine 189 with serine.
Molecular consequence: missense variant.
Genome position (GRCh38, 1-based): chr17:75,265,760, C>G. VCF-style: chr17-75265760-C-G. GRCh37 (hg19) VCF-style: chr17-73261841-C-G.
Other names: short protein forms T189S.
Identifiers: ClinVar variation 4978682 (VCV004978682.1).